The following is an entry in ClinVar:

NM_001085458.2(CTNND1):c.1558C>T (p.His520Tyr)

Genes: CTNND1 (catenin delta 1; plus strand), TMX2-CTNND1 (TMX2-CTNND1 readthrough (NMD candidate); plus strand). Cytogenetic location: 11q12.1.
Variant type: single nucleotide variant.
Coding change: c.1558C>T on transcript NM_001085458.2 (MANE Select); coding-DNA position 1558, C replaced by T.
Protein change: p.His520Tyr; replaces histidine 520 with tyrosine.
Molecular consequence: missense variant. On other transcripts: non-coding transcript variant (1).
Genome position (GRCh38, 1-based): chr11:57,803,758, C>T. VCF-style: chr11-57803758-C-T. GRCh37 (hg19) VCF-style: chr11-57571230-C-T.
Other names: c.1558C>T, p.His520Tyr (NM_001085459.2, NM_001085460.2, NM_001085461.2 and 3 more transcripts); c.1255C>T, p.His419Tyr (NM_001085463.2, NM_001085464.2, NM_001085465.2 and 5 more transcripts); c.1396C>T, p.His466Tyr (NM_001206883.2, NM_001206884.2, NM_001206886.2 and 4 more transcripts); short protein forms H419Y, H466Y, H520Y.
Identifiers: ClinVar variation 4282293 (VCV004282293.1).

ClinVar aggregate classification (germline): Uncertain significance (1 of 4 stars; one submission).

Submission:

GeneDx
Classification: Uncertain significance. Last evaluated: 2025-04-19. Review status: criteria provided, single submitter. Criteria: GeneDx Variant Classification Process June 2021. Collection method: clinical testing. Allele origin: germline. Affected: yes.
Comment: Not observed at significant frequency in large population cohorts (gnomAD); In silico analysis supports that this missense variant has a deleterious effect on protein structure/function; Has not been previously published as pathogenic or benign to our knowledge